The following is an entry in ClinVar:

ClinVar aggregate classification (germline): Uncertain significance (1 of 4 stars; one submission).

Conditions:
Epilepsy. Also called: Seizure disorder. Identifiers: MedGen C0014544, MeSH D004827, MONDO:0005027.

gnomAD v4.1: 1 of 1,610,768 alleles (0.000062%); highest among the groups gnomAD compares: Admixed American, 0.0017%; no homozygotes.

Submission:

Labcorp Genetics (formerly Invitae), Labcorp
Classification: Uncertain significance for Epilepsy. Last evaluated: 2024-09-10. Review status: criteria provided, single submitter. Criteria: Invitae Variant Classification Sherloc (09022015). Collection method: clinical testing. Allele origin: germline.
Comment: This sequence change replaces leucine, which is neutral and non-polar, with methionine, which is neutral and non-polar, at codon 496 of the PIGQ protein (p.Leu496Met). This variant is present in population databases (no rsID available, gnomAD 0.003%). This variant has not been reported in the literature in individuals affected with PIGQ-related conditions. An algorithm developed to predict the effect of missense changes on protein structure and function (PolyPhen-2) suggests that this variant is likely to be tolerated. In summary, the available evidence is currently insufficient to determine the role of this variant in disease. Therefore, it has been classified as a Variant of Uncertain Significance.

NM_004204.5(PIGQ):c.1486C>A (p.Leu496Met)

Gene: PIGQ (phosphatidylinositol glycan anchor biosynthesis class Q; plus strand). Cytogenetic location: 16p13.3.
Variant type: single nucleotide variant.
Coding change: c.1486C>A on transcript NM_004204.5 (MANE Select); coding-DNA position 1486, C replaced by A.
Protein change: p.Leu496Met; replaces leucine 496 with methionine.
Molecular consequence: missense variant.
Genome position (GRCh38, 1-based): chr16:580,927, C>A. VCF-style: chr16-580927-C-A. GRCh37 (hg19) VCF-style: chr16-630927-C-A.
Other names: c.1486C>A, p.Leu496Met (NM_148920.4); short protein forms L496M.
Identifiers: ClinVar variation 3703515 (VCV003703515.2).